The following is an entry in ClinVar:

NM_001042492.3(NF1):c.1414_1440dup (p.Lys480_Pro481insValThrSerLeuLysPheLysGluLys)

Gene: NF1 (neurofibromin 1; plus strand). Cytogenetic location: 17q11.2.
Variant type: Duplication.
Coding change: c.1414_1440dup on transcript NM_001042492.3 (MANE Select); coding-DNA positions 1414 to 1440, 27 bases duplicated (GTAACAAGCCTTAAATTTAAAGAAAAA).
Protein change: p.Lys480_Pro481insValThrSerLeuLysPheLysGluLys.
Molecular consequence: inframe insertion. On other transcripts: inframe indel (1).
Genome position (GRCh38, 1-based): chr17:31,214,472-31,214,498, GTAACAAGCCTTAAATTTAAAGAAAAA duplicated; duplicating any 27 consecutive bases within chr17:31,214,459-31,214,498 gives the same sequence; the c. name uses the placement nearest the transcript's 3' end. VCF-style (leftmost placement, unchanged base first): chr17-31214458-C-CATTTAAAGAAAAAGTAACAAGCCTTAA. GRCh37 (hg19) VCF-style: chr17-29541476-C-CATTTAAAGAAAAAGTAACAAGCCTTAA.
Other names: c.1414_1440dup, p.Lys480_Pro481insValThrSerLeuLysPheLysGluLys (NM_000267.4, NM_001128147.3).
Identifiers: ClinVar variation 662146 (VCV000662146.5), dbSNP rs1597698326, ClinGen allele CA915949692.
Genomic context (GRCh38, chr17:31,214,458, plus strand): 5'-TAGCTATTATCCTGAGTCTTATGTCTGATACCATGTTTTTGTTTTGTTTTTAGAGTCTTA[C>CATTTAAAGAAAAAGTAACAAGCCTTAA]ATTTAAAGAAAAAGTAACAAGCCTTAAATTTAAAGAAAAACCTACAGACCTGGAGACAAG-3'

ClinVar aggregate classification (germline): Uncertain significance (1 of 4 stars; one submission).

Conditions:
Neurofibromatosis, type 1 (NF1). Also called: VON RECKLINGHAUSEN DISEASE; NEUROFIBROMATOSIS, TYPE I, SOMATIC; Peripheral type neurofibromatosis; Neurofibromatosis, type I. Identifiers: Orphanet 636, MedGen C0027831, MONDO:0018975, OMIM 162200. Disease mechanism: loss of function.

Submission:

Labcorp Genetics (formerly Invitae), Labcorp
Classification: Uncertain significance for Neurofibromatosis, type 1. Last evaluated: 2018-07-02. Review status: criteria provided, single submitter. Criteria: Invitae Variant Classification Sherloc (09022015). Collection method: clinical testing. Allele origin: germline.
Comment: This variant has not been reported in the literature in individuals with NF1-related disease. This variant, c.1414_1440dup, results in the insertion of 9 amino acids to the NF1 protein (p.Val472_Lys480dup), but otherwise preserves the integrity of the reading frame. This variant is not present in population databases (ExAC no frequency). Experimental studies and prediction algorithms are not available for this variant, and the functional significance of the duplicated amino acids is currently unknown. Algorithms developed to predict the effect of sequence changes on RNA splicing suggest that this variant may create or strengthen a splice site, but this prediction has not been confirmed by published transcriptional studies. In summary, the available evidence is currently insufficient to determine the role of this variant in disease. Therefore, it has been classified as a Variant of Uncertain Significance.